The following is an entry in ClinVar:

ClinVar aggregate classification (germline): Uncertain significance. Review status: criteria provided, multiple submitters, no conflicts (2 of 4 stars). 2 submissions from 2 submitters: Uncertain significance (2). Last evaluated 2024-07-15.

Conditions:
Baller-Gerold syndrome (BGS). Also called: CRANIOSYNOSTOSIS WITH RADIAL DEFECTS. Identifiers: Orphanet 1225, MedGen C0265308, MONDO:0009039, OMIM 218600.

Allele frequency attached by ClinVar (database versions not stated): gnomAD exomes 0.00001 and 0.00003; gnomAD 0.00002; TOPMed 0.00002.
gnomAD v4.1: 44 of 1,612,226 alleles (0.0027%); highest among the groups gnomAD compares: Non-Finnish European, 0.0036%; no homozygotes.

Submissions (2):

Blueprint Genetics
Classification: Uncertain significance. Last evaluated: 2024-07-15. Review status: criteria provided, single submitter. Criteria: ACMG Guidelines, 2015. Collection method: clinical testing. Allele origin: germline.

Labcorp Genetics (formerly Invitae), Labcorp
Classification: Uncertain significance for Baller-Gerold syndrome. Last evaluated: 2023-08-25. Review status: criteria provided, single submitter. Criteria: Invitae Variant Classification Sherloc (09022015). Collection method: clinical testing. Allele origin: germline.
Comment: This variant is present in population databases (no rsID available, gnomAD 0.002%). This sequence change replaces arginine, which is basic and polar, with glycine, which is neutral and non-polar, at codon 350 of the RECQL4 protein (p.Arg350Gly). This variant has not been reported in the literature in individuals affected with RECQL4-related conditions. In summary, the available evidence is currently insufficient to determine the role of this variant in disease. Therefore, it has been classified as a Variant of Uncertain Significance. Algorithms developed to predict the effect of sequence changes on RNA splicing suggest that this variant may disrupt the consensus splice site. Advanced modeling of protein sequence and biophysical properties (such as structural, functional, and spatial information, amino acid conservation, physicochemical variation, residue mobility, and thermodynamic stability) performed at Invitae indicates that this missense variant is not expected to disrupt RECQL4 protein function. ClinVar contains an entry for this variant (Variation ID: 239689).

NM_004260.4(RECQL4):c.1048A>G (p.Arg350Gly)

Gene: RECQL4 (RecQ like helicase 4; minus strand). Cytogenetic location: 8q24.3.
Variant type: single nucleotide variant.
Coding change: c.1048A>G on transcript NM_004260.4 (MANE Select); coding-DNA position 1048, A replaced by G.
Protein change: p.Arg350Gly; replaces arginine 350 with glycine.
Molecular consequence: missense variant.
Genome position (GRCh38, 1-based): chr8:144,516,071, T>C on the plus strand (A>G on the coding strand, the complement: RECQL4 is on the minus strand). VCF-style: chr8-144516071-T-C. GRCh37 (hg19) VCF-style: chr8-145741455-T-C.
Other names: short protein forms R350G.
Identifiers: ClinVar variation 239689 (VCV000239689.8), dbSNP rs878854639, ClinGen allele CA10582567.